The following is an entry in ClinVar:

ClinVar aggregate classification (germline): Likely benign. Review status: criteria provided, multiple submitters, no conflicts (2 of 4 stars). 2 submissions from 2 submitters: Likely benign (2). Last evaluated 2018-06-16.

Allele frequency attached by ClinVar (database versions not stated): gnomAD exomes 0.00150; gnomAD 0.01409; TOPMed 0.01465; 1000 Genomes Project 0.01717; 1000 Genomes Project 30x 0.01968.
gnomAD v4.1: 2,320 of 374,638 alleles (0.62%); highest among the groups gnomAD compares: African/African-American, 4.5%; 45 homozygotes.

Submissions (2):

GeneDx
Classification: Likely benign. Last evaluated: 2018-06-16. Review status: criteria provided, single submitter. Criteria: GeneDx Variant Classification (06012015). Collection method: clinical testing. Allele origin: germline. Affected: yes.
Comment: This variant is considered likely benign or benign based on one or more of the following criteria: it is a conservative change, it occurs at a poorly conserved position in the protein, it is predicted to be benign by multiple in silico algorithms, and/or has population frequency not consistent with disease.

Breakthrough Genomics
Classification: Likely benign. Review status: criteria provided, single submitter. Criteria: ACMG Guidelines, 2015. Collection method: not provided. Allele origin: germline. Inheritance: Autosomal recessive inheritance. Affected: yes.

NM_212552.3(BOLA3):c.55-322A>G

Gene: BOLA3 (bolA family member 3; minus strand). Cytogenetic location: 2p13.1.
Variant type: single nucleotide variant.
Coding change: c.55-322A>G on transcript NM_212552.3 (MANE Select); 322 bases into the intron before coding-DNA position 55, A replaced by G.
Molecular consequence: intron variant.
Genome position (GRCh38, 1-based): chr2:74,145,625, T>C on the plus strand (A>G on the coding strand, the complement: BOLA3 is on the minus strand). VCF-style: chr2-74145625-T-C. GRCh37 (hg19) VCF-style: chr2-74372752-T-C.
Other names: c.55-322A>G (NM_001035505.2).
Identifiers: ClinVar variation 673657 (VCV000673657.2), dbSNP rs72917133, ClinGen allele CA50435167.